The following is an entry in ClinVar:

ClinVar aggregate classification (germline): Uncertain significance (1 of 4 stars; one submission).

Conditions:
Walker-Warburg congenital muscular dystrophy. Also called: Muscular dystrophy-dystroglycanopathy, type A; Walker-Warburg syndrome. Identifiers: Orphanet 899, MedGen C0265221, MONDO:0000171.

gnomAD v4.1: 1 of 1,516,276 alleles (0.000066%); highest among the groups gnomAD compares: East Asian, 0.0025%; no homozygotes.

Submission:

Labcorp Genetics (formerly Invitae), Labcorp
Classification: Uncertain significance for Walker-Warburg congenital muscular dystrophy. Last evaluated: 2022-08-31. Review status: criteria provided, single submitter. Criteria: Invitae Variant Classification Sherloc (09022015). Collection method: clinical testing. Allele origin: germline.
Comment: This sequence change replaces proline, which is neutral and non-polar, with leucine, which is neutral and non-polar, at codon 117 of the FKRP protein (p.Pro117Leu). The frequency data for this variant in the population databases is considered unreliable, as metrics indicate poor data quality at this position in the gnomAD database. This variant has not been reported in the literature in individuals affected with FKRP-related conditions. Algorithms developed to predict the effect of missense changes on protein structure and function are either unavailable or do not agree on the potential impact of this missense change (SIFT: "Tolerated"; PolyPhen-2: "Probably Damaging"; Align-GVGD: "Class C0"). In summary, the available evidence is currently insufficient to determine the role of this variant in disease. Therefore, it has been classified as a Variant of Uncertain Significance.

NM_024301.5(FKRP):c.350C>T (p.Pro117Leu)

Gene: FKRP (fukutin related protein; plus strand). Cytogenetic location: 19q13.32.
Variant type: single nucleotide variant.
Coding change: c.350C>T on transcript NM_024301.5 (MANE Select); coding-DNA position 350, C replaced by T.
Protein change: p.Pro117Leu; replaces proline 117 with leucine.
Molecular consequence: missense variant.
Genome position (GRCh38, 1-based): chr19:46,755,800, C>T. VCF-style: chr19-46755800-C-T. GRCh37 (hg19) VCF-style: chr19-47259057-C-T.
Other names: c.350C>T, p.Pro117Leu (NM_001039885.3); short protein forms P117L.
Identifiers: ClinVar variation 2171710 (VCV002171710.1), dbSNP rs941905630, ClinGen allele CA406495153.